The following is an entry in ClinVar:

NM_001128148.3(TFRC):c.1603C>T (p.Leu535Phe)

Gene: TFRC (transferrin receptor; minus strand). Cytogenetic location: 3q29.
Variant type: single nucleotide variant.
Coding change: c.1603C>T on transcript NM_001128148.3 (MANE Select); coding-DNA position 1603, C replaced by T.
Protein change: p.Leu535Phe; replaces leucine 535 with phenylalanine.
Molecular consequence: missense variant.
Genome position (GRCh38, 1-based): chr3:196,058,358, G>A on the plus strand (C>T on the coding strand, the complement: TFRC is on the minus strand). VCF-style: chr3-196058358-G-A. GRCh37 (hg19) VCF-style: chr3-195785229-G-A.
Other names: c.1360C>T, p.Leu454Phe (NM_001313965.2); c.757C>T, p.Leu253Phe (NM_001313966.2); c.1603C>T, p.Leu535Phe (NM_003234.4); short protein forms L535F, L253F, L454F.
Identifiers: ClinVar variation 1480256 (VCV001480256.8), dbSNP rs2108638975, ClinGen allele CA355566462.

ClinVar aggregate classification (germline): Uncertain significance (1 of 4 stars; one submission).

Submission:

Labcorp Genetics (formerly Invitae), Labcorp
Classification: Uncertain significance. Last evaluated: 2024-10-16. Review status: criteria provided, single submitter. Criteria: Invitae Variant Classification Sherloc (09022015). Collection method: clinical testing. Allele origin: germline.
Comment: This sequence change replaces leucine, which is neutral and non-polar, with phenylalanine, which is neutral and non-polar, at codon 535 of the TFRC protein (p.Leu535Phe). This variant is not present in population databases (gnomAD no frequency). This variant has not been reported in the literature in individuals affected with TFRC-related conditions. ClinVar contains an entry for this variant (Variation ID: 1480256). Invitae Evidence Modeling of protein sequence and biophysical properties (such as structural, functional, and spatial information, amino acid conservation, physicochemical variation, residue mobility, and thermodynamic stability) indicates that this missense variant is not expected to disrupt TFRC protein function with a negative predictive value of 80%. In summary, the available evidence is currently insufficient to determine the role of this variant in disease. Therefore, it has been classified as a Variant of Uncertain Significance.